The following is an entry in ClinVar:

NM_020987.5(ANK3):c.1792G>T (p.Gly598Trp)

Gene: ANK3 (ankyrin 3; minus strand). Cytogenetic location: 10q21.2.
Variant type: single nucleotide variant.
Coding change: c.1792G>T on transcript NM_020987.5 (MANE Select); coding-DNA position 1792, G replaced by T.
Protein change: p.Gly598Trp; replaces glycine 598 with tryptophan.
Molecular consequence: missense variant.
Genome position (GRCh38, 1-based): chr10:60,196,240, C>A on the plus strand (G>T on the coding strand, the complement: ANK3 is on the minus strand). VCF-style: chr10-60196240-C-A. GRCh37 (hg19) VCF-style: chr10-61955998-C-A.
Other names: c.1774G>T, p.Gly592Trp (NM_001204403.2); c.1741G>T, p.Gly581Trp (NM_001204404.2); c.1792G>T, p.Gly598Trp (NM_001320874.2); short protein forms G592W, G598W, G581W.
Identifiers: ClinVar variation 2013645 (VCV002013645.4), dbSNP rs770048872, ClinGen allele CA376989057.

ClinVar aggregate classification (germline): Uncertain significance (1 of 4 stars; one submission).

Submission:

Labcorp Genetics (formerly Invitae), Labcorp
Classification: Uncertain significance. Last evaluated: 2022-06-28. Review status: criteria provided, single submitter. Criteria: Invitae Variant Classification Sherloc (09022015). Collection method: clinical testing. Allele origin: germline.
Comment: In summary, the available evidence is currently insufficient to determine the role of this variant in disease. Therefore, it has been classified as a Variant of Uncertain Significance. Algorithms developed to predict the effect of missense changes on protein structure and function are either unavailable or do not agree on the potential impact of this missense change (SIFT: "Not Available"; PolyPhen-2: "Probably Damaging"; Align-GVGD: "Not Available"). This variant has not been reported in the literature in individuals affected with ANK3-related conditions. This variant is not present in population databases (gnomAD no frequency). This sequence change replaces glycine, which is neutral and non-polar, with tryptophan, which is neutral and slightly polar, at codon 598 of the ANK3 protein (p.Gly598Trp).